The following is an entry in ClinVar:

NM_003331.5(TYK2):c.1226C>T (p.Ser409Phe)

Gene: TYK2 (tyrosine kinase 2; minus strand). Cytogenetic location: 19p13.2.
Variant type: single nucleotide variant.
Coding change: c.1226C>T on transcript NM_003331.5 (MANE Select); coding-DNA position 1226, C replaced by T.
Protein change: p.Ser409Phe; replaces serine 409 with phenylalanine.
Molecular consequence: missense variant.
Genome position (GRCh38, 1-based): chr19:10,364,755, G>A on the plus strand (C>T on the coding strand, the complement: TYK2 is on the minus strand). VCF-style: chr19-10364755-G-A. GRCh37 (hg19) VCF-style: chr19-10475431-G-A.
Other names: c.1226C>T, p.Ser409Phe (NM_001385197.1, NM_001385198.1, NM_001385199.1 and 7 more transcripts); c.1028C>T, p.Ser343Phe (NM_001385201.1); c.1136C>T, p.Ser379Phe (NM_001385205.1); short protein forms S343F, S409F, S379F.
Identifiers: ClinVar variation 2169274 (VCV002169274.4), dbSNP rs199855412, ClinGen allele CA9193491.
Genomic context (GRCh38, chr19:10,364,755, plus strand): 5'-TCGGCCGTCAGGCGGAAATAGCCGTCCACCAGCGACACGAAGGACAGCGCCGCAGCCCGG[G>A]AAGGCAAGCTCAGCTCCTGCCAGCCAGGGGCGCATCAGGTGGGTGTCCTCCCAGGCCATG-3'
Protein context (NP_003322.3, residues 399-419): DNKCLELSLP[Ser409Phe]RAAALSFVSL

ClinVar aggregate classification (germline): Uncertain significance (1 of 4 stars; one submission).

Conditions:
Immunodeficiency 35 (IMD35). Also called: TYK2 DEFICIENCY; Susceptibility to infection due to TYK2 deficiency; HIES WITH ATYPICAL MYCOBACTERIOSIS, AUTOSOMAL RECESSIVE; HYPER-IgE SYNDROME WITH ATYPICAL MYCOBACTERIOSIS, AUTOSOMAL RECESSIVE. Identifiers: Orphanet 331226, MedGen C1969086, MONDO:0012682, OMIM 611521.

Allele frequency attached by ClinVar (database versions not stated): gnomAD exomes below 0.00001; ExAC 0.00001; gnomAD 0.00003; 1000 Genomes Project 30x 0.00031; 1000 Genomes Project 0.00040.
gnomAD v4.1: 6 of 1,613,960 alleles (0.00037%); highest among the groups gnomAD compares: East Asian, 0.013%; no homozygotes.

Submission:

Labcorp Genetics (formerly Invitae), Labcorp
Classification: Uncertain significance for Immunodeficiency 35. Last evaluated: 2023-08-04. Review status: criteria provided, single submitter. Criteria: Invitae Variant Classification Sherloc (09022015). Collection method: clinical testing. Allele origin: germline.
Comment: In summary, the available evidence is currently insufficient to determine the role of this variant in disease. Therefore, it has been classified as a Variant of Uncertain Significance. Advanced modeling of protein sequence and biophysical properties (such as structural, functional, and spatial information, amino acid conservation, physicochemical variation, residue mobility, and thermodynamic stability) performed at Invitae indicates that this missense variant is not expected to disrupt TYK2 protein function. This sequence change replaces serine, which is neutral and polar, with phenylalanine, which is neutral and non-polar, at codon 409 of the TYK2 protein (p.Ser409Phe). This variant is present in population databases (rs199855412, gnomAD 0.006%). This variant has not been reported in the literature in individuals affected with TYK2-related conditions. ClinVar contains an entry for this variant (Variation ID: 2169274).